The following is an entry in ClinVar:

ClinVar aggregate classification (germline): Uncertain significance (1 of 4 stars; one submission).

Allele frequency attached by ClinVar (database versions not stated): TOPMed below 0.00001; ExAC 0.00002; gnomAD exomes 0.00005.
gnomAD v4.1: 28 of 1,605,990 alleles (0.0017%); highest among the groups gnomAD compares: South Asian, 0.031%; no homozygotes.

Submission:

Laboratory for Molecular Medicine, Mass General Brigham Personalized Medicine
Classification: Uncertain significance. Last evaluated: 2013-08-22. Review status: criteria provided, single submitter. Criteria: LMM Criteria. Collection method: clinical testing. Allele origin: germline. Observed: 1 variant allele.
Comment: The Thr15407Ser variant in TTN has not been reported in individuals with cardiom yopathy and data from large population studies is insufficient to assess the fre quency of this variant. Computational analyses (biochemical amino acid propertie s, homology, PolyPhen2, SIFT, AlignGVGD) do not provide strong support for or ag ainst pathogenicity, though several fish (tetraodon, fugu and lamprey) carry a s erine (Ser; this variant) at this position, which raises the possibility that th is change may be tolerated. In summary, additional information is needed to full y assess the clinical significance of the Thr15407Ser variant.

NM_001267550.2(TTN):c.53924C>G (p.Thr17975Ser)

Genes: TTN (titin; minus strand), TTN-AS1 (TTN antisense RNA 1; plus strand). Cytogenetic location: 2q31.2.
Variant type: single nucleotide variant.
Coding change: c.53924C>G on transcript NM_001267550.2 (MANE Select); coding-DNA position 53924, C replaced by G.
Protein change: p.Thr17975Ser; replaces threonine 17975 with serine.
Molecular consequence: missense variant. On other transcripts: non-coding transcript variant (1).
Genome position (GRCh38, 1-based): chr2:178,605,253, G>C on the plus strand (C>G on the coding strand, the complement: TTN is on the minus strand). VCF-style: chr2-178605253-G-C. GRCh37 (hg19) VCF-style: chr2-179469980-G-C.
Other names: c.46220C>G, p.Thr15407Ser (NM_133378.4); c.49001C>G, p.Thr16334Ser (NM_001256850.1); c.26729C>G, p.Thr8910Ser (NM_003319.4); c.27104C>G, p.Thr9035Ser (NM_133432.3); c.27305C>G, p.Thr9102Ser (NM_133437.4); short protein forms T15407S, T17975S, T16334S, T8910S, T9102S, T9035S.
Identifiers: ClinVar variation 165981 (VCV000165981.5), dbSNP rs727503605, ClinGen allele CA178747.